The following is an entry in ClinVar:

NM_001164277.2(SLC37A4):c.785+6A>T

Gene: SLC37A4 (solute carrier family 37 member 4; minus strand). Cytogenetic location: 11q23.3.
Variant type: single nucleotide variant.
Coding change: c.785+6A>T on transcript NM_001164277.2 (MANE Select); 6 bases into the intron after coding-DNA position 785, A replaced by T.
Molecular consequence: intron variant.
Genome position (GRCh38, 1-based): chr11:119,026,931, T>A on the plus strand (A>T on the coding strand, the complement: SLC37A4 is on the minus strand). VCF-style: chr11-119026931-T-A. GRCh37 (hg19) VCF-style: chr11-118897641-T-A.
Other names: p.?; c.566+6A>T (NM_001164279.2); c.785+6A>T (NM_001467.6, NM_001164278.2, NM_001164280.2).
Identifiers: ClinVar variation 386606 (VCV000386606.17), dbSNP rs369358436, ClinGen allele CA6311741.
Genomic context (GRCh38, chr11:119,026,931, plus strand): 5'-TGAATTTGCATCCCCTGCATTGGTTCCTGCTCCTTATGCCCACCCTTGTCCCCATGCTCA[T>A]CTTACCTACAAGGGCTGACTGTCCTTTCTCCTGGATAAGGAAGAACTGGCCCCAGTCAGT-3'

ClinVar aggregate classification (germline): Likely benign. Review status: criteria provided, multiple submitters, no conflicts (2 of 4 stars). 6 submissions from 6 submitters: Likely benign (4). 2 of the submissions do not count toward it. Last evaluated 2026-01-20.

Conditions:
Glucose-6-phosphate transport defect (GSD1B). Also called: Glycogen Storage Disease Type Ib; GSD Ib. Identifiers: Orphanet 364, Orphanet 79259, MedGen C0268146, MONDO:0009288, OMIM 232220.

Allele frequency attached by ClinVar (database versions not stated): gnomAD exomes 0.00012; ExAC 0.00021; ESP Exome Variant Server 0.00065; gnomAD 0.00067 and 0.00072; TOPMed 0.00069; 1000 Genomes Project 0.00080; 1000 Genomes Project 30x 0.00125.

Submissions (6):

Labcorp Genetics (formerly Invitae), Labcorp
Classification: Likely benign for Glucose-6-phosphate transport defect. Last evaluated: 2026-01-20. Review status: criteria provided, single submitter. Criteria: Invitae Variant Classification Sherloc (09022015). Collection method: clinical testing. Allele origin: germline.

Mayo Clinic Laboratories, Mayo Clinic
Classification: Likely benign. Last evaluated: 2025-10-29. Review status: criteria provided, single submitter. Criteria: ACMG Guidelines, 2015. Collection method: clinical testing. Allele origin: germline. Observed: 2 variant alleles.
Comment: BS1, BP4, BP7

Blueprint Genetics
Classification: Likely benign. Last evaluated: 2023-11-13. Review status: criteria provided, single submitter. Criteria: ACMG Guidelines, 2015. Collection method: clinical testing. Allele origin: germline.

GeneDx
Classification: Likely benign. Last evaluated: 2016-06-10. Review status: criteria provided, single submitter. Criteria: GeneDx Variant Classification (06012015). Collection method: clinical testing. Allele origin: germline. Affected: yes.
Comment: This variant is considered likely benign or benign based on one or more of the following criteria: it is a conservative change, it occurs at a poorly conserved position in the protein, it is predicted to be benign by multiple in silico algorithms, and/or has population frequency not consistent with disease.

Natera, Inc.
Classification: Likely benign for Glycogen storage disease type Ib. Last evaluated: 2020-09-16. Review status: no assertion criteria provided. Collection method: clinical testing. Allele origin: germline. Not counted in ClinVar's aggregate classification.

Counsyl
Classification: Uncertain significance for Glucose-6-phosphate transport defect. Last evaluated: 2017-02-27. Review status: no assertion criteria provided. Collection method: clinical testing. Allele origin: unknown. Not counted in ClinVar's aggregate classification.